The following is an entry in ClinVar:

ClinVar aggregate classification (germline): Uncertain significance (1 of 4 stars; one submission).

Conditions:
Intellectual developmental disorder, autosomal dominant 65. Also called: MENTAL RETARDATION, AUTOSOMAL DOMINANT 65. Identifiers: MedGen C5543371, MONDO:0023657, OMIM 619320.

gnomAD v4.1: 20 of 1,613,198 alleles (0.0012%); highest among the groups gnomAD compares: South Asian, 0.021%; no homozygotes.

Submission:

Genetics laboratory, Institute of Kidney Diseases & Research Centre Dr. H.L. Trivedi Institute Of Transplantation Sciences
Classification: Uncertain significance for Intellectual developmental disorder, autosomal dominant 65. Last evaluated: 2026-02-20. Review status: criteria provided, single submitter. Criteria: ACMG Guidelines, 2015. Collection method: clinical testing. Allele origin: germline. Inheritance: Autosomal dominant inheritance. Affected: yes. Observed: 1 variant allele, 1 homozygote.
Comment: A synonymous variant, NM_015015.3:c.666G>T (p.Arg222=), was identified in the KDM4B gene. The variant is absent or extremely rare in population databases (PM2). The variant is a synonymous alteration with no predicted effect on splicing or protein sequence, supporting a benign effect (BP7). However, the available evidence is insufficient to establish either a pathogenic or benign clinical significance. Therefore, according to ACMG/AMP guidelines, the variant is classified as a Variant of Uncertain Significance (VUS).

NM_015015.3(KDM4B):c.666G>T (p.Arg222=)

Gene: KDM4B (lysine demethylase 4B; plus strand). Cytogenetic location: 19p13.3.
Variant type: single nucleotide variant.
Coding change: c.666G>T on transcript NM_015015.3 (MANE Select); coding-DNA position 666, G replaced by T.
Protein change: p.Arg222=; no amino-acid change (arginine 222 retained).
Molecular consequence: synonymous variant.
Genome position (GRCh38, 1-based): chr19:5,071,049, G>T. VCF-style: chr19-5071049-G-T. GRCh37 (hg19) VCF-style: chr19-5071060-G-T.
Other names: c.666G>T, p.Arg222= (NM_001370093.1, NM_001370094.1, NM_001411148.1).
Identifiers: ClinVar variation 4886912 (VCV004886912.1).